The following is an entry in ClinVar:

NM_024408.4(NOTCH2):c.4752G>C (p.Gln1584His)

Gene: NOTCH2 (notch receptor 2; minus strand). Cytogenetic location: 1p12.
Variant type: single nucleotide variant.
Coding change: c.4752G>C on transcript NM_024408.4 (MANE Select); coding-DNA position 4752, G replaced by C.
Protein change: p.Gln1584His; replaces glutamine 1584 with histidine.
Molecular consequence: missense variant.
Genome position (GRCh38, 1-based): chr1:119,923,744, C>G on the plus strand (G>C on the coding strand, the complement: NOTCH2 is on the minus strand). VCF-style: chr1-119923744-C-G. GRCh37 (hg19) VCF-style: chr1-120466367-C-G.
Other names: short protein forms Q1584H.
Identifiers: ClinVar variation 1698207 (VCV001698207.2), dbSNP rs1649366904, ClinGen allele CA341888752.
Genomic context (GRCh38, chr1:119,923,744, plus strand): 5'-CCTCTGTTTCTTCATAGCAGCTGACTTCTCACCATAATAGGGGTACACCATGAGTTCCCC[C>G]TGGGAGTCCCGCTTAATGCGCAGGTTGGTGTGGAGCAGGGTACCCAGTGCCCGCAAGAAG-3'
Protein context (NP_077719.2, residues 1574-1594): HTNLRIKRDS[Gln1584His]GELMVYPYYG

ClinVar aggregate classification (germline): Uncertain significance (1 of 4 stars; one submission).

Allele frequency attached by ClinVar (database versions not stated): TOPMed below 0.00001; gnomAD exomes 0.00001.
gnomAD v4.1: 9 of 1,614,160 alleles (0.00056%); highest among the groups gnomAD compares: Non-Finnish European, 0.00076%; no homozygotes.

Submission:

GeneDx
Classification: Uncertain significance. Last evaluated: 2022-01-19. Review status: criteria provided, single submitter. Criteria: GeneDx Variant Classification Process June 2021. Collection method: clinical testing. Allele origin: germline. Affected: yes.
Comment: Not observed at significant frequency in large population cohorts (gnomAD); In silico analysis supports that this missense variant does not alter protein structure/function; Has not been previously published as pathogenic or benign to our knowledge